The following is an entry in ClinVar:

ClinVar aggregate classification (somatic clinical impact): Tier II - Potential (1 of 4 stars; one submission).

Conditions:
Neuroblastoma (NB). Identifiers: Orphanet 635, MedGen C0027819, MeSH D009447, MONDO:0005072, HP:0003006.

Submission:

Institute for Genomic Medicine (IGM) Clinical Laboratory, Nationwide Children's Hospital
Classification: Tier II - Potential for Neuroblastoma. Assertion type: diagnostic. Clinical significance: supports diagnosis. Last evaluated: 2024-11-06. Review status: criteria provided, single submitter. Criteria: AMP/ASCO/CAP Guidelines, 2017. Collection method: clinical testing. Allele origin: somatic. Affected: yes.
Comment: Variant has Tier II (potential) clinical significance as a diagnostic inclusion criterion in neuroblastoma, based on the following evidence: 1) Diagnostic significance based on multiple small studies (Evidence Level C; PMIDs: 23334666, 26121087, 26821351, 27997549, 35689207).

Literature cited by the submitters: PubMed 23334666; PubMed 26121087; PubMed 26821351; PubMed 27997549; PubMed 35689207.

NM_002524.5(NRAS):c.328C>T (p.Pro110Ser)

Gene: NRAS (NRAS proto-oncogene, GTPase; minus strand). Cytogenetic location: 1p13.2.
Variant type: single nucleotide variant.
Coding change: c.328C>T on transcript NM_002524.5 (MANE Select); coding-DNA position 328, C replaced by T.
Protein change: p.Pro110Ser; replaces proline 110 with serine.
Molecular consequence: missense variant.
Genome position (GRCh38, 1-based): chr1:114,709,691, G>A on the plus strand (C>T on the coding strand, the complement: NRAS is on the minus strand). VCF-style: chr1-114709691-G-A. GRCh37 (hg19) VCF-style: chr1-115252312-G-A.
Other names: short protein forms P110S.
Identifiers: ClinVar variation 4530445 (VCV004530445.1).